The following is an entry in ClinVar:

ClinVar aggregate classification (germline): Uncertain significance (1 of 4 stars; one submission).

Allele frequency attached by ClinVar (database versions not stated): TOPMed below 0.00001.
gnomAD v4.1: 5 of 1,613,906 alleles (0.00031%); highest among the groups gnomAD compares: Non-Finnish European, 0.00025%; no homozygotes.

Submission:

Labcorp Genetics (formerly Invitae), Labcorp
Classification: Uncertain significance. Last evaluated: 2025-01-13. Review status: criteria provided, single submitter. Criteria: Invitae Variant Classification Sherloc (09022015). Collection method: clinical testing. Allele origin: germline.
Comment: This sequence change replaces histidine, which is basic and polar, with asparagine, which is neutral and polar, at codon 669 of the IMPG1 protein (p.His669Asn). This variant is not present in population databases (gnomAD no frequency). This variant has not been reported in the literature in individuals affected with IMPG1-related conditions. ClinVar contains an entry for this variant (Variation ID: 1411513). An algorithm developed to predict the effect of missense changes on protein structure and function outputs the following: PolyPhen-2: "Benign". The asparagine amino acid residue is found in multiple mammalian species, which suggests that this missense change does not adversely affect protein function. In summary, the available evidence is currently insufficient to determine the role of this variant in disease. Therefore, it has been classified as a Variant of Uncertain Significance.

NM_001563.4(IMPG1):c.2005C>A (p.His669Asn)

Gene: IMPG1 (interphotoreceptor matrix proteoglycan 1; minus strand). Cytogenetic location: 6q14.1.
Variant type: single nucleotide variant.
Coding change: c.2005C>A on transcript NM_001563.4 (MANE Select); coding-DNA position 2005, C replaced by A.
Protein change: p.His669Asn; replaces histidine 669 with asparagine.
Molecular consequence: missense variant.
Genome position (GRCh38, 1-based): chr6:75,947,353, G>T on the plus strand (C>A on the coding strand, the complement: IMPG1 is on the minus strand). VCF-style: chr6-75947353-G-T. GRCh37 (hg19) VCF-style: chr6-76657070-G-T.
Other names: c.1771C>A, p.His591Asn (NM_001282368.2); short protein forms H669N, H591N.
Identifiers: ClinVar variation 1411513 (VCV001411513.6), dbSNP rs940063319, ClinGen allele CA141080766.